The following is an entry in ClinVar:

ClinVar aggregate classification (germline): Likely benign. Review status: criteria provided, multiple submitters, no conflicts (2 of 4 stars). 3 submissions from 3 submitters: Likely benign (2). 1 of the submissions does not count toward it. Last evaluated 2025-11-25.

Conditions:
CUL7-related disorder. Also called: CUL7-related condition.

Allele frequency attached by ClinVar (database versions not stated): gnomAD exomes 0.00001 and 0.00002; ExAC 0.00002; gnomAD 0.00009; TOPMed 0.00015; 1000 Genomes Project 0.00040; 1000 Genomes Project 30x 0.00078.
gnomAD v4.1: 36 of 1,611,614 alleles (0.0022%); highest among the groups gnomAD compares: African/African-American, 0.041%; no homozygotes.

Submissions (3):

Labcorp Genetics (formerly Invitae), Labcorp
Classification: Likely benign. Last evaluated: 2025-11-25. Review status: criteria provided, single submitter. Criteria: Invitae Variant Classification Sherloc (09022015). Collection method: clinical testing. Allele origin: germline.

Blueprint Genetics
Classification: Likely benign. Last evaluated: 2022-12-22. Review status: criteria provided, single submitter. Criteria: ACMG Guidelines, 2015. Collection method: clinical testing. Allele origin: germline.

PreventionGenetics, part of Exact Sciences
Classification: Likely benign for CUL7-related condition. Last evaluated: 2019-06-06. Review status: no assertion criteria provided. Collection method: clinical testing. Allele origin: germline. Not counted in ClinVar's aggregate classification.
Comment: This variant is classified as likely benign based on ACMG/AMP sequence variant interpretation guidelines (Richards et al. 2015 PMID: 25741868, with internal and published modifications).

NM_014780.5(CUL7):c.2064-5C>T

Gene: CUL7 (cullin 7; minus strand). Cytogenetic location: 6p21.1.
Variant type: single nucleotide variant.
Coding change: c.2064-5C>T on transcript NM_014780.5 (MANE Select); 5 bases into the intron before coding-DNA position 2064, C replaced by T.
Molecular consequence: intron variant.
Genome position (GRCh38, 1-based): chr6:43,048,258, G>A on the plus strand (C>T on the coding strand, the complement: CUL7 is on the minus strand). VCF-style: chr6-43048258-G-A. GRCh37 (hg19) VCF-style: chr6-43015996-G-A.
Other names: c.2160-5C>T (NM_001168370.2, NM_001374872.1); c.2064-5C>T (NM_001374874.1, NM_001374873.1, NM_014780.4).
Identifiers: ClinVar variation 1093739 (VCV001093739.12), dbSNP rs115073371, ClinGen allele CA3813993.